The following is an entry in ClinVar:

ClinVar aggregate classification (germline): Uncertain significance (1 of 4 stars; one submission).

Submission:

GeneDx
Classification: Uncertain significance. Last evaluated: 2024-08-22. Review status: criteria provided, single submitter. Criteria: GeneDx Variant Classification Process June 2021. Collection method: clinical testing. Allele origin: germline. Affected: yes.
Comment: Not observed at significant frequency in large population cohorts (gnomAD); In silico analysis supports a deleterious effect on splicing; Has not been previously published as pathogenic or benign to our knowledge

NM_001122659.3(EDNRB):c.1170C>T (p.Ser390=)

Genes: EDNRB (endothelin receptor type B; minus strand), EDNRB-AS1 (EDNRB antisense RNA 1; plus strand). Cytogenetic location: 13q22.3.
Variant type: single nucleotide variant.
Coding change: c.1170C>T on transcript NM_001122659.3 (MANE Select); coding-DNA position 1170, C replaced by T.
Protein change: p.Ser390=; no amino-acid change (serine 390 retained).
Molecular consequence: synonymous variant.
Genome position (GRCh38, 1-based): chr13:77,899,883, G>A on the plus strand (C>T on the coding strand, the complement: EDNRB is on the minus strand). VCF-style: chr13-77899883-G-A. GRCh37 (hg19) VCF-style: chr13-78474018-G-A.
Other names: c.1170C>T, p.Ser390= (NM_000115.5, NM_003991.4); c.1440C>T, p.Ser480= (NM_001201397.2).
Identifiers: ClinVar variation 3764223 (VCV003764223.1).